The following is an entry in ClinVar:

NM_006946.4(SPTBN2):c.7044del (p.Gly2348_Met2349insTer)

Gene: SPTBN2 (spectrin beta, non-erythrocytic 2; minus strand). Cytogenetic location: 11q13.2.
Variant type: Deletion.
Coding change: c.7044del on transcript NM_006946.4 (MANE Select); coding-DNA position 7044, one base deleted (C; older notation c.7044delC).
Protein change: p.Gly2348_Met2349insTer.
Molecular consequence: frameshift variant. On other transcripts: nonsense (1).
Genome position (GRCh38, 1-based): chr11:66,686,000, G deleted on the plus strand (C on the coding strand, the reverse complement: SPTBN2 is on the minus strand). VCF-style (leftmost placement, unchanged base first): chr11-66685999-TG-T. GRCh37 (hg19) VCF-style: chr11-66453470-TG-T.
Other names: c.7065delC, p.Met2356Terfs (NM_001411025.1).
Identifiers: ClinVar variation 1709006 (VCV001709006.2), dbSNP rs2495703164, ClinGen allele CA2580084549.

ClinVar aggregate classification (germline): Uncertain significance (1 of 4 stars; one submission).

Conditions:
Spinocerebellar ataxia type 5 (SCA5). Identifiers: Orphanet 98766, MedGen C0752123, MONDO:0010848, OMIM 600224.

Submission:

MGZ Medical Genetics Center
Classification: Uncertain significance for Spinocerebellar ataxia type 5. Last evaluated: 2022-03-18. Review status: criteria provided, single submitter. Criteria: ACMG Guidelines, 2015. Collection method: clinical testing. Allele origin: germline. Affected: yes. Observed: 1 variant allele.
Comment: ACMG criteria applied: PVS1_MOD, PM2_SUP